The following is an entry in ClinVar:

ClinVar aggregate classification (germline): Pathogenic (1 of 4 stars; one submission).

Conditions:
USH2A-related disorder. Also called: USH2A-related condition; USH2A-related disorders. Identifiers: MedGen CN239332.

Submission:

Myriad Genetics, Inc.
Classification: Pathogenic for USH2A-related disorder. Last evaluated: 2026-05-12. Review status: criteria provided, single submitter. Criteria: Myriad Autosomal Dominant, Autosomal Recessive and X-Linked Classification Criteria (2023). Collection method: clinical testing. Allele origin: unknown.
Comment: NM_206933.2(USH2A):c.7394delG(G2465Afs*9) is a frameshift variant classified as pathogenic in the context of USH2A-related disorders. G2465Afs*9 has not been observed in cases with relevant disease. Relevant functional assessments of this variant are not available in the literature. G2465Afs*9 has not been observed in referenced population frequency databases. In summary, NM_206933.2(USH2A):c.7394delG(G2465Afs*9) is a frameshift variant in a gene where loss of function is a known mechanism of disease and is predicted to disrupt protein function. Please note: this variant was assessed in the context of healthy population screening.

NM_206933.4(USH2A):c.7394del (p.Gly2465fs)

Gene: USH2A (usherin; minus strand). Cytogenetic location: 1q41.
Variant type: Deletion.
Coding change: c.7394del on transcript NM_206933.4 (MANE Select); coding-DNA position 7394, one base deleted (G; older notation c.7394delG).
Protein change: p.Gly2465fs; shifts the reading frame from glycine 2465.
Molecular consequence: frameshift variant.
Genome position (GRCh38, 1-based): chr1:215,900,812, C deleted on the plus strand (G on the coding strand, the reverse complement: USH2A is on the minus strand); the first of 2 consecutive C bases (chr1:215,900,812-215,900,813); deleting either gives the same sequence. VCF-style (leftmost placement, unchanged base first): chr1-215900811-GC-G. GRCh37 (hg19) VCF-style: chr1-216074153-GC-G.
Other names: short protein forms G2465fs.
Identifiers: ClinVar variation 5004644 (VCV005004644.1).